The following is an entry in ClinVar:

ClinVar aggregate classification (germline): Uncertain significance. Review status: criteria provided, multiple submitters, no conflicts (2 of 4 stars). 2 submissions from 2 submitters: Uncertain significance (2). Last evaluated 2025-11-25.

gnomAD v4.1: 41 of 1,614,166 alleles (0.0025%); highest among the groups gnomAD compares: African/African-American, 0.033%; no homozygotes.

Submissions (2):

Women's Health and Genetics/Laboratory Corporation of America, LabCorp
Classification: Uncertain significance. Last evaluated: 2025-11-25. Review status: criteria provided, single submitter. Criteria: LabCorp Variant Classification Summary - May 2015. Collection method: clinical testing. Allele origin: germline.
Comment: Variant summary: ARHGEF10 c.103A>T (p.Ser35Cys) results in a non-conservative amino acid change in the encoded protein sequence. Algorithms developed to predict the effect of missense changes on protein structure and function are either unavailable or do not agree on the potential impact of this missense change. The variant allele was found at a frequency of 2e-05 in 251490 control chromosomes. The available data on variant occurrences in the general population are insufficient to allow any conclusion about variant significance. To our knowledge, no occurrence of c.103A>T in individuals affected with ARHGEF10-related conditions and no experimental evidence demonstrating its impact on protein function have been reported. ClinVar contains an entry for this variant (Variation ID: 3781568). Based on the evidence outlined above, the variant was classified as uncertain significance.

Ambry Genetics
Classification: Uncertain significance. Last evaluated: 2025-02-01. Review status: criteria provided, single submitter. Criteria: Ambry Variant Classification Scheme 2023. Collection method: clinical testing. Allele origin: germline.

NM_014629.4(ARHGEF10):c.103A>T (p.Ser35Cys)

Gene: ARHGEF10 (Rho guanine nucleotide exchange factor 10; plus strand). Cytogenetic location: 8p23.3.
Variant type: single nucleotide variant.
Coding change: c.103A>T on transcript NM_014629.4 (MANE Select); coding-DNA position 103, A replaced by T.
Protein change: p.Ser35Cys; replaces serine 35 with cysteine.
Molecular consequence: missense variant.
Genome position (GRCh38, 1-based): chr8:1,858,025, A>T. VCF-style: chr8-1858025-A-T. GRCh37 (hg19) VCF-style: chr8-1806191-A-T.
Other names: c.103A>T, p.Ser35Cys (NM_001308152.2, NM_001308153.3); short protein forms S35C, S59C.
Identifiers: ClinVar variation 3781568 (VCV003781568.2).